The following is an entry in ClinVar:

ClinVar aggregate classification (germline): Uncertain significance. Review status: criteria provided, single submitter (1 of 4 stars). 2 submissions from 2 submitters: Uncertain significance (1). 1 of the submissions does not count toward it. Last evaluated 2022-08-09.

Conditions:
Alstrom syndrome (ALMS). Identifiers: Orphanet 64, MedGen C0268425, MONDO:0008763, OMIM 203800.

gnomAD v4.1: 18 of 1,613,756 alleles (0.0011%); highest among the groups gnomAD compares: South Asian, 0.019%; no homozygotes.

Submissions (2):

Labcorp Genetics (formerly Invitae), Labcorp
Classification: Uncertain significance for Alstrom syndrome. Last evaluated: 2022-08-09. Review status: criteria provided, single submitter. Criteria: Invitae Variant Classification Sherloc (09022015). Collection method: clinical testing. Allele origin: germline.
Comment: This sequence change replaces asparagine, which is neutral and polar, with isoleucine, which is neutral and non-polar, at codon 2056 of the ALMS1 protein (p.Asn2056Ile). This variant is present in population databases (rs772187394, gnomAD 0.01%). This variant has not been reported in the literature in individuals affected with ALMS1-related conditions. ClinVar contains an entry for this variant (Variation ID: 964863). In summary, the available evidence is currently insufficient to determine the role of this variant in disease. Therefore, it has been classified as a Variant of Uncertain Significance.

Natera, Inc.
Classification: Uncertain significance for Alstrom syndrome. Last evaluated: 2021-05-24. Review status: no assertion criteria provided. Collection method: clinical testing. Allele origin: germline. Not counted in ClinVar's aggregate classification.

NM_001378454.1(ALMS1):c.6164A>T (p.Asn2055Ile)

Gene: ALMS1 (ALMS1 centrosome and basal body associated protein; plus strand). Cytogenetic location: 2p13.1.
Variant type: single nucleotide variant.
Coding change: c.6164A>T on transcript NM_001378454.1 (MANE Select); coding-DNA position 6164, A replaced by T.
Protein change: p.Asn2055Ile; replaces asparagine 2055 with isoleucine.
Molecular consequence: missense variant.
Genome position (GRCh38, 1-based): chr2:73,452,691, A>T. VCF-style: chr2-73452691-A-T. GRCh37 (hg19) VCF-style: chr2-73679818-A-T.
Other names: c.6167A>T, p.Asn2056Ile (NM_015120.4); short protein forms N2055I, N2056I.
Identifiers: ClinVar variation 964863 (VCV000964863.7), dbSNP rs772187394, ClinGen allele CA1714017.